The following is an entry in ClinVar:

NM_001035.3(RYR2):c.12626C>T (p.Ser4209Leu)

Genes: RYR2 (ryanodine receptor 2; plus strand), LOC126806068 (BRD4-independent group 4 enhancer GRCh37_chr1:237947411-237948610; plus strand). Cytogenetic location: 1q43.
Variant type: single nucleotide variant.
Coding change: c.12626C>T on transcript NM_001035.3 (MANE Select); coding-DNA position 12626, C replaced by T.
Protein change: p.Ser4209Leu; replaces serine 4209 with leucine.
Molecular consequence: missense variant.
Genome position (GRCh38, 1-based): chr1:237,784,338, C>T. VCF-style: chr1-237784338-C-T. GRCh37 (hg19) VCF-style: chr1-237947638-C-T.
Other names: short protein forms S4209L.
Identifiers: ClinVar variation 1763370 (VCV001763370.4), dbSNP rs2527788194, ClinGen allele CA345413779.
Genomic context (GRCh38, chr1:237,784,338, plus strand): 5'-TTGTGAACTTCTGCGAGGACACCATCTTTGAAATGCAGCTGGCGGCTCAGATCTCGGAGT[C>T]GGACTTGAACGAGAGGTCAGCGAATAAGGAAGAAAGCGAGAAGGAGAGGCCGGAAGAGCA-3'
Protein context (NP_001026.2, residues 4199-4219): EMQLAAQISE[Ser4209Leu]DLNERSANKE

ClinVar aggregate classification (germline): Uncertain significance. Review status: criteria provided, multiple submitters, no conflicts (2 of 4 stars). 2 submissions from 2 submitters: Uncertain significance (2). Last evaluated 2025-01-27.

Conditions:
Cardiovascular phenotype. Identifiers: MedGen CN230736.
Catecholaminergic polymorphic ventricular tachycardia 1. Also called: VENTRICULAR TACHYCARDIA, CATECHOLAMINERGIC POLYMORPHIC, 1, WITH OR WITHOUT ATRIAL DYSFUNCTION AND/OR DILATED CARDIOMYOPATHY; VENTRICULAR TACHYCARDIA, STRESS-INDUCED POLYMORPHIC 1; RYR2-Related Catecholaminergic Polymorphic Ventricular Tachycardia. Identifiers: Orphanet 3286, MedGen C1631597, MONDO:0011484, OMIM 604772.

Allele frequency attached by ClinVar (database versions not stated): gnomAD exomes below 0.00001.
gnomAD v4.1: 2 of 1,613,758 alleles (0.00012%); highest among the groups gnomAD compares: African/African-American, 0.0013%; no homozygotes.

Submissions (2):

Labcorp Genetics (formerly Invitae), Labcorp
Classification: Uncertain significance for Catecholaminergic polymorphic ventricular tachycardia 1. Last evaluated: 2025-01-27. Review status: criteria provided, single submitter. Criteria: Invitae Variant Classification Sherloc (09022015). Collection method: clinical testing. Allele origin: germline.
Comment: This sequence change replaces serine, which is neutral and polar, with leucine, which is neutral and non-polar, at codon 4209 of the RYR2 protein (p.Ser4209Leu). This variant is not present in population databases (gnomAD no frequency). This variant has not been reported in the literature in individuals affected with RYR2-related conditions. ClinVar contains an entry for this variant (Variation ID: 1763370). Invitae Evidence Modeling of protein sequence and biophysical properties (such as structural, functional, and spatial information, amino acid conservation, physicochemical variation, residue mobility, and thermodynamic stability) has been performed for this missense variant. However, the output from this modeling did not meet the statistical confidence thresholds required to predict the impact of this variant on RYR2 protein function. In summary, the available evidence is currently insufficient to determine the role of this variant in disease. Therefore, it has been classified as a Variant of Uncertain Significance.

Ambry Genetics
Classification: Uncertain significance for Cardiovascular phenotype. Last evaluated: 2021-10-21. Review status: criteria provided, single submitter. Criteria: Ambry Variant Classification Scheme 2023. Collection method: clinical testing. Allele origin: germline.
Comment: The p.S4209L variant (also known as c.12626C>T), located in coding exon 90 of the RYR2 gene, results from a C to T substitution at nucleotide position 12626. The serine at codon 4209 is replaced by leucine, an amino acid with dissimilar properties. This amino acid position is highly conserved in available vertebrate species. In addition, this alteration is predicted to be deleterious by in silico analysis. Since supporting evidence is limited at this time, the clinical significance of this alteration remains unclear.